The following is an entry in ClinVar:

ClinVar aggregate classification (germline): Uncertain significance (1 of 4 stars; one submission).

Conditions:
Becker muscular dystrophy (BMD). Also called: Becker Muscular Dystrophy (BMD); MUSCULAR DYSTROPHY, PSEUDOHYPERTROPHIC PROGRESSIVE, BECKER TYPE. Identifiers: Orphanet 98895, MedGen C0917713, MONDO:0010311, OMIM 300376.

Submission:

Neuberg Centre For Genomic Medicine, NCGM
Classification: Uncertain significance for Becker muscular dystrophy. Last evaluated: 2023-06-22. Review status: criteria provided, single submitter. Criteria: ACMG Guidelines, 2015. Collection method: clinical testing. Allele origin: germline. Inheritance: X-linked recessive inheritance. Affected: yes.
Comment: The observed missense c.2366A>G (p.Glu789Gly) variant in DMD gene has not been previously reported as a pathogenic nor as a benign variant, to our knowledge. The p.Glu789Gly variant is absent in gnomAD exomes. This variant has not been submitted to the ClinVar database. Multiple lines of computational evidences (Polyphen - Pobably damaging, SIFT- Damaging, MutationTaster - Disease causing) predict a damaging effect on protein structure and function for this variant. The reference amino acid of p.Glu789Gly in DMD gene is predicted as conserved by GERP++ and PhyloP across 100 vertebrates. The amino acid Glu at position 789 is changed to a Gly changing protein sequence and it might alter its composition and physico-chemical properties. Another missense variant c.2365G>A (p.Glu789Lys) in the same position of this gene has previously been reported to be disease causing (Alcántara-Ortigoza MA, et al., 2019), suggesting that this residue might be of clinical significance. For these reasons, this variant has been classified as Variant of Uncertain Significance (VUS).

NM_004006.3(DMD):c.2366A>G (p.Glu789Gly)

Gene: DMD (dystrophin; minus strand). Cytogenetic location: Xp21.1.
Variant type: single nucleotide variant.
Coding change: c.2366A>G on transcript NM_004006.3 (MANE Select); coding-DNA position 2366, A replaced by G.
Protein change: p.Glu789Gly; replaces glutamic acid 789 with glycine.
Molecular consequence: missense variant.
Genome position (GRCh38, 1-based): chrX:32,501,769, T>C on the plus strand (A>G on the coding strand, the complement: DMD is on the minus strand). VCF-style: chrX-32501769-T-C. GRCh37 (hg19) VCF-style: chrX-32519886-T-C.
Other names: c.2342A>G, p.Glu781Gly (NM_000109.4); c.2354A>G, p.Glu785Gly (NM_004009.3); c.1997A>G, p.Glu666Gly (NM_004010.3); short protein forms E666G, E781G, E785G, E789G.
Identifiers: ClinVar variation 3731394 (VCV003731394.1).